The following is an entry in ClinVar:

ClinVar aggregate classification (germline): Benign/Likely benign. Review status: criteria provided, multiple submitters, no conflicts (2 of 4 stars). 2 submissions from 2 submitters: Benign (1); Likely benign (1). Last evaluated 2024-04-11.

Conditions:
Familial adenomatous polyposis 1 (FAP1). Also called: POLYPOSIS, ADENOMATOUS INTESTINAL; FAMILIAL ADENOMATOUS POLYPOSIS 1, ATTENUATED. Identifiers: MedGen C2713442, MONDO:0021056, OMIM 175100. Disease mechanism: loss of function.

Submissions (2):

Myriad Genetics, Inc.
Classification: Benign for Familial adenomatous polyposis 1. Last evaluated: 2024-04-11. Review status: criteria provided, single submitter. Criteria: Myriad Autosomal Dominant, Autosomal Recessive and X-Linked Classification Criteria (2023). Collection method: clinical testing. Allele origin: unknown.
Comment: This variant is considered benign. This variant is a silent/synonymous amino acid change and it is not expected to impact splicing.

Labcorp Genetics (formerly Invitae), Labcorp
Classification: Likely benign for Familial adenomatous polyposis 1. Last evaluated: 2018-12-06. Review status: criteria provided, single submitter. Criteria: Invitae Variant Classification Sherloc (09022015). Collection method: clinical testing. Allele origin: germline.

NM_000038.6(APC):c.7905A>G (p.Thr2635=)

Gene: APC (APC regulator of Wnt signaling pathway; plus strand). Cytogenetic location: 5q22.2.
Variant type: single nucleotide variant.
Coding change: c.7905A>G on transcript NM_000038.6 (MANE Select); coding-DNA position 7905, A replaced by G.
Protein change: p.Thr2635=; no amino-acid change (threonine 2635 retained).
Molecular consequence: synonymous variant.
Genome position (GRCh38, 1-based): chr5:112,843,499, A>G. VCF-style: chr5-112843499-A-G. GRCh37 (hg19) VCF-style: chr5-112179196-A-G.
Other names: c.7905A>G, p.Thr2635= (NM_001127510.3, NM_001354895.2); c.7851A>G, p.Thr2617= (NM_001127511.3); c.7959A>G, p.Thr2653= (NM_001354896.2); c.7935A>G, p.Thr2645= (NM_001354897.2); c.7830A>G, p.Thr2610= (NM_001354898.2); c.7821A>G, p.Thr2607= (NM_001354899.2); c.7782A>G, p.Thr2594= (NM_001354900.2); c.7728A>G, p.Thr2576= (NM_001354901.2); and 5 more.
Identifiers: ClinVar variation 798656 (VCV000798656.10), dbSNP rs1580687958, ClinGen allele CA446210950.